The following is an entry in ClinVar:

NM_058163.3(TSR2):c.395A>G (p.Glu132Gly)

Gene: TSR2 (TSR2 ribosome maturation factor; plus strand). Cytogenetic location: Xp11.22.
Variant type: single nucleotide variant.
Coding change: c.395A>G on transcript NM_058163.3 (MANE Select); coding-DNA position 395, A replaced by G.
Protein change: p.Glu132Gly; replaces glutamic acid 132 with glycine.
Molecular consequence: missense variant.
Genome position (GRCh38, 1-based): chrX:54,444,138, A>G. VCF-style: chrX-54444138-A-G. GRCh37 (hg19) VCF-style: chrX-54470571-A-G.
Other names: c.386A>G, p.Glu129Gly (NM_001346789.2); c.110A>G, p.Glu37Gly (NM_001346790.2, NM_001346791.2, NM_001346792.2); short protein forms E37G, E129G, E132G.
Identifiers: ClinVar variation 4765485 (VCV004765485.1).

ClinVar aggregate classification (germline): Uncertain significance (1 of 4 stars; one submission).

Submission:

Labcorp Genetics (formerly Invitae), Labcorp
Classification: Uncertain significance. Last evaluated: 2025-03-10. Review status: criteria provided, single submitter. Criteria: Invitae Variant Classification Sherloc (09022015). Collection method: clinical testing. Allele origin: germline.
Comment: This sequence change replaces glutamic acid, which is acidic and polar, with glycine, which is neutral and non-polar, at codon 132 of the TSR2 protein (p.Glu132Gly). This variant is not present in population databases (gnomAD no frequency). This variant has not been reported in the literature in individuals affected with TSR2-related conditions. An algorithm developed to predict the effect of missense changes on protein structure and function (PolyPhen-2) suggests that this variant is likely to be tolerated. In summary, the available evidence is currently insufficient to determine the role of this variant in disease. Therefore, it has been classified as a Variant of Uncertain Significance.